The following is an entry in ClinVar:

NM_015047.3(EMC1):c.2872_2877dup (p.Asp959_Tyr960insAspAsp)

Genes: EMC1 (ER membrane protein complex subunit 1; minus strand), EMC1-AS1 (EMC1 antisense RNA 1; plus strand). Cytogenetic location: 1p36.13.
Variant type: Duplication.
Coding change: c.2872_2877dup on transcript NM_015047.3 (MANE Select); coding-DNA positions 2872 to 2877, 6 bases duplicated (GATGAC; older notation c.2872_2877dupGATGAC).
Protein change: p.Asp959_Tyr960insAspAsp.
Molecular consequence: inframe insertion.
Genome position (GRCh38, 1-based): chr1:19,219,408-19,219,413, GTCATC duplicated on the plus strand (GATGAC on the coding strand, the reverse complement: EMC1 is on the minus strand). VCF-style (leftmost placement, unchanged base first): chr1-19219407-A-AGTCATC. GRCh37 (hg19) VCF-style: chr1-19545901-A-AGTCATC.
Other names: c.2869_2874dup, p.Asp958_Tyr959insAspAsp (NM_001271427.2, NM_001271428.2); c.2806_2811dup, p.Asp937_Tyr938insAspAsp (NM_001271429.2); c.2881_2886dup, p.Asp962_Tyr963insAspAsp (NM_001375820.1); c.2878_2883dup, p.Asp961_Tyr962insAspAsp (NM_001375821.1).
Identifiers: ClinVar variation 2504725 (VCV002504725.2), dbSNP rs2536634909, ClinGen allele CA2580611421.

ClinVar aggregate classification (germline): Uncertain significance (1 of 4 stars; one submission).

Submission:

GeneDx
Classification: Uncertain significance. Last evaluated: 2024-11-24. Review status: criteria provided, single submitter. Criteria: GeneDx Variant Classification Process June 2021. Collection method: clinical testing. Allele origin: germline.
Comment: Not observed at significant frequency in large population cohorts (gnomAD); In-frame insertion of two amino acids in a non-repeat region; Has not been previously published as pathogenic or benign to our knowledge